The following is an entry in ClinVar:

NM_000092.5(COL4A4):c.490-5T>G

Gene: COL4A4 (collagen type IV alpha 4 chain; minus strand). Cytogenetic location: 2q36.3.
Variant type: single nucleotide variant.
Coding change: c.490-5T>G on transcript NM_000092.5 (MANE Select); 5 bases into the intron before coding-DNA position 490, T replaced by G.
Molecular consequence: intron variant.
Genome position (GRCh38, 1-based): chr2:227,114,701, A>C on the plus strand (T>G on the coding strand, the complement: COL4A4 is on the minus strand). VCF-style: chr2-227114701-A-C. GRCh37 (hg19) VCF-style: chr2-227979417-A-C.
Identifiers: ClinVar variation 2125435 (VCV002125435.4), dbSNP rs2475996681, ClinGen allele CA2580065900.

ClinVar aggregate classification (germline): Uncertain significance (1 of 4 stars; one submission).

Submission:

Labcorp Genetics (formerly Invitae), Labcorp
Classification: Uncertain significance. Last evaluated: 2022-07-16. Review status: criteria provided, single submitter. Criteria: Invitae Variant Classification Sherloc (09022015). Collection method: clinical testing. Allele origin: germline.
Comment: This variant is not present in population databases (gnomAD no frequency). In summary, the available evidence is currently insufficient to determine the role of this variant in disease. Therefore, it has been classified as a Variant of Uncertain Significance. Algorithms developed to predict the effect of sequence changes on RNA splicing suggest that this variant may disrupt the consensus splice site. This variant has not been reported in the literature in individuals affected with COL4A4-related conditions. This sequence change falls in intron 7 of the COL4A4 gene. It does not directly change the encoded amino acid sequence of the COL4A4 protein.